The following is an entry in ClinVar:

ClinVar aggregate classification (germline): Uncertain significance (1 of 4 stars; one submission).

Conditions:
Neurodevelopmental disorder with cataracts, poor growth, and dysmorphic facies. Identifiers: MedGen C5231414, MONDO:0032817, OMIM 618571.

Allele frequency attached by ClinVar (database versions not stated): TOPMed 0.00002.
gnomAD v4.1: 18 of 1,607,642 alleles (0.0011%); highest among the groups gnomAD compares: African/African-American, 0.011%; no homozygotes.

Submission:

Baylor Genetics
Classification: Uncertain significance for Neurodevelopmental disorder with cataracts, poor growth, and dysmorphic facies. Last evaluated: 2020-11-06. Review status: criteria provided, single submitter. Criteria: ACMG Guidelines, 2015. Collection method: clinical testing. Allele origin: unknown. Affected: yes.
Comment: This variant was determined to be of uncertain significance according to ACMG Guidelines, 2015 [PMID:25741868].

NM_001080453.3(INTS1):c.2788G>A (p.Glu930Lys)

Gene: INTS1 (integrator complex subunit 1; minus strand). Cytogenetic location: 7p22.3.
Variant type: single nucleotide variant.
Coding change: c.2788G>A on transcript NM_001080453.3 (MANE Select); coding-DNA position 2788, G replaced by A.
Protein change: p.Glu930Lys; replaces glutamic acid 930 with lysine.
Molecular consequence: missense variant.
Genome position (GRCh38, 1-based): chr7:1,486,960, C>T on the plus strand (G>A on the coding strand, the complement: INTS1 is on the minus strand). VCF-style: chr7-1486960-C-T. GRCh37 (hg19) VCF-style: chr7-1526596-C-T.
Other names: short protein forms E930K.
Identifiers: ClinVar variation 1030091 (VCV001030091.1), dbSNP rs754724189, ClinGen allele CA152538997.